The following is an entry in ClinVar:

ClinVar aggregate classification (germline): Uncertain significance (1 of 4 stars; one submission).

Submission:

Labcorp Genetics (formerly Invitae), Labcorp
Classification: Uncertain significance. Last evaluated: 2025-01-13. Review status: criteria provided, single submitter. Criteria: Invitae Variant Classification Sherloc (09022015). Collection method: clinical testing. Allele origin: germline.
Comment: This sequence change replaces aspartic acid, which is acidic and polar, with glutamic acid, which is acidic and polar, at codon 2110 of the CACNA1D protein (p.Asp2110Glu). This variant is not present in population databases (gnomAD no frequency). This variant has not been reported in the literature in individuals affected with CACNA1D-related conditions. An algorithm developed to predict the effect of missense changes on protein structure and function (PolyPhen-2) suggests that this variant is likely to be disruptive. In summary, the available evidence is currently insufficient to determine the role of this variant in disease. Therefore, it has been classified as a Variant of Uncertain Significance.

NM_001128840.3(CACNA1D):c.6270T>G (p.Asp2090Glu)

Gene: CACNA1D (calcium voltage-gated channel subunit alpha1 D; plus strand). Cytogenetic location: 3p21.1.
Variant type: single nucleotide variant.
Coding change: c.6270T>G on transcript NM_001128840.3 (MANE Select); coding-DNA position 6270, T replaced by G.
Protein change: p.Asp2090Glu; replaces aspartic acid 2090 with glutamic acid.
Molecular consequence: missense variant.
Genome position (GRCh38, 1-based): chr3:53,811,190, T>G. VCF-style: chr3-53811190-T-G. GRCh37 (hg19) VCF-style: chr3-53845217-T-G.
Other names: c.6330T>G, p.Asp2110Glu (NM_000720.4); c.6198T>G, p.Asp2066Glu (NM_001128839.3); short protein forms D2090E, D2066E, D2110E.
Identifiers: ClinVar variation 3728918 (VCV003728918.2).
Genomic context (GRCh38, chr3:53,811,190, plus strand): 5'-CTTGGGACGCTATGCAAGGGACCCAAAATTTGTGTCAGCAACAAAACACGAAATCGCTGA[T>G]GCCTGTGACCTCACCATCGACGAGATGGAGAGTGCAGCCAGCACCCTGCTTAATGGGAAC-3'
Protein context (NP_001122312.1, residues 2080-2100): FVSATKHEIA[Asp2090Glu]ACDLTIDEME